The following is an entry in ClinVar:

ClinVar aggregate classification (germline): Conflicting classifications of pathogenicity. Review status: criteria provided, conflicting classifications (1 of 4 stars). 2 submissions from 2 submitters: Uncertain significance (1); Likely benign (1). Last evaluated 2025-07-27.

Conditions:
Inborn genetic diseases. Identifiers: MedGen C0950123, MeSH D030342.
Genitopatellar syndrome (GTPTS). Also called: Genitopatellar syndrome (GPS); ABSENT PATELLAE, SCROTAL HYPOPLASIA, RENAL ANOMALIES, FACIAL DYSMORPHISM, AND MENTAL RETARDATION. Identifiers: Orphanet 85201, MedGen C1853566, MONDO:0011640, OMIM 606170.

Allele frequency attached by ClinVar (database versions not stated): TOPMed below 0.00001; gnomAD exomes 0.00001; ExAC 0.00002.
gnomAD v4.1: 18 of 1,612,586 alleles (0.0011%); highest among the groups gnomAD compares: Admixed American, 0.0033%; no homozygotes.

Submissions (2):

Labcorp Genetics (formerly Invitae), Labcorp
Classification: Uncertain significance for Genitopatellar syndrome. Last evaluated: 2025-07-27. Review status: criteria provided, single submitter. Criteria: Invitae Variant Classification Sherloc (09022015). Collection method: clinical testing. Allele origin: germline.
Comment: This sequence change replaces glutamic acid, which is acidic and polar, with glutamine, which is neutral and polar, at codon 1073 of the KAT6B protein (p.Glu1073Gln). The frequency data for this variant in the population databases is considered unreliable, as metrics indicate poor data quality at this position in the gnomAD database. This variant has not been reported in the literature in individuals affected with KAT6B-related conditions. ClinVar contains an entry for this variant (Variation ID: 2151253). An algorithm developed to predict the effect of missense changes on protein structure and function (PolyPhen-2) suggests that this variant is likely to be tolerated. In summary, the available evidence is currently insufficient to determine the role of this variant in disease. Therefore, it has been classified as a Variant of Uncertain Significance.

Ambry Genetics
Classification: Likely benign for Inborn genetic diseases. Last evaluated: 2025-07-02. Review status: criteria provided, single submitter. Criteria: Ambry Variant Classification Scheme 2023. Collection method: clinical testing. Allele origin: germline.

NM_012330.4(KAT6B):c.3217G>C (p.Glu1073Gln)

Gene: KAT6B (lysine acetyltransferase 6B; plus strand). Cytogenetic location: 10q22.2.
Variant type: single nucleotide variant.
Coding change: c.3217G>C on transcript NM_012330.4 (MANE Select); coding-DNA position 3217, G replaced by C.
Protein change: p.Glu1073Gln; replaces glutamic acid 1073 with glutamine.
Molecular consequence: missense variant.
Genome position (GRCh38, 1-based): chr10:75,022,076, G>C. VCF-style: chr10-75022076-G-C. GRCh37 (hg19) VCF-style: chr10-76781834-G-C.
Other names: c.2668G>C, p.Glu890Gln (NM_001256468.2, NM_001370138.1); c.2341G>C, p.Glu781Gln (NM_001256469.2, NM_001370139.1, NM_001370140.1 and 2 more transcripts); c.2179G>C, p.Glu727Gln (NM_001370132.1); c.1528G>C, p.Glu510Gln (NM_001370133.1); c.1132G>C, p.Glu378Gln (NM_001370134.1); c.874G>C, p.Glu292Gln (NM_001370135.1); c.3217G>C, p.Glu1073Gln (NM_001370136.1, NM_001370137.1); c.2152G>C, p.Glu718Gln (NM_001370143.1, NM_001370144.1); and 1 more; short protein forms E378Q, E890Q, E1073Q, E292Q, E718Q, E510Q, E727Q, E781Q.
Identifiers: ClinVar variation 2151253 (VCV002151253.5), dbSNP rs761860621, ClinGen allele CA5564749.
Genomic context (GRCh38, chr10:75,022,076, plus strand): 5'-CCAGTCACAGGGGAGCGAGGGCAGCTGCTGGAGCTGTCTAAAGAGAGCAGTGAAGAAGAA[G>C]AGGAGGAGGAGGACGAGGAGGAGGAAGAAGAGGAGGAAGAAGAGGAAGAGGATGAAGAGG-3'
Protein context (NP_036462.2, residues 1063-1083): ELSKESSEEE[Glu1073Gln]EEEDEEEEEE